The following is an entry in ClinVar:

NM_000787.4(DBH):c.450C>A (p.Pro150=)

Gene: DBH (dopamine beta-hydroxylase; plus strand). Cytogenetic location: 9q34.2.
Variant type: single nucleotide variant.
Coding change: c.450C>A on transcript NM_000787.4 (MANE Select); coding-DNA position 450, C replaced by A.
Protein change: p.Pro150=; no amino-acid change (proline 150 retained).
Molecular consequence: synonymous variant.
Genome position (GRCh38, 1-based): chr9:133,639,956, C>A. VCF-style: chr9-133639956-C-A. GRCh37 (hg19) VCF-style: chr9-136505078-C-A.
Other names: c.450C>A (NM_000787.3).
Identifiers: ClinVar variation 3673167 (VCV003673167.3).

ClinVar aggregate classification (germline): Likely benign. Review status: criteria provided, multiple submitters, no conflicts (2 of 4 stars). 2 submissions from 2 submitters: Likely benign (2). Last evaluated 2025-06-30.

Conditions:
Orthostatic hypotension 1 (ORTHYP1). Also called: Dopamine beta-hydroxylase deficiency; Orthostatic hypotension 1, due to DBH deficiency; NORADRENALINE DEFICIENCY; NOREPINEPHRINE DEFICIENCY. Identifiers: Orphanet 230, MedGen C4746777, MONDO:0009123, OMIM 223360.
DBH-related disorder. Also called: DBH-related condition.

Submissions (2):

PreventionGenetics, part of Exact Sciences
Classification: Likely benign for DBH-related condition. Last evaluated: 2025-06-30. Review status: criteria provided, single submitter. Criteria: ACMG Guidelines, 2015. Collection method: clinical testing. Allele origin: germline.
Comment: This variant is classified as likely benign based on ACMG/AMP sequence variant interpretation guidelines (Richards et al. 2015 PMID: 25741868, with internal and published modifications).

Labcorp Genetics (formerly Invitae), Labcorp
Classification: Likely benign for Orthostatic hypotension 1. Last evaluated: 2025-05-17. Review status: criteria provided, single submitter. Criteria: Invitae Variant Classification Sherloc (09022015). Collection method: clinical testing. Allele origin: germline.